The following is an entry in ClinVar:

NM_001348768.2(HECW2):c.1774C>T (p.Arg592Ter)

Gene: HECW2 (HECT, C2 and WW domain containing E3 ubiquitin protein ligase 2; minus strand). Cytogenetic location: 2q32.3.
Variant type: single nucleotide variant.
Coding change: c.1774C>T on transcript NM_001348768.2 (MANE Select); coding-DNA position 1774, C replaced by T.
Protein change: p.Arg592Ter; replaces arginine 592 with a stop codon.
Molecular consequence: nonsense.
Genome position (GRCh38, 1-based): chr2:196,319,116, G>A on the plus strand (C>T on the coding strand, the complement: HECW2 is on the minus strand). VCF-style: chr2-196319116-G-A. GRCh37 (hg19) VCF-style: chr2-197183840-G-A.
Other names: c.706C>T, p.Arg236Ter (NM_001304840.3); c.1774C>T, p.Arg592Ter (NM_020760.4); short protein forms R592*, R236*.
Identifiers: ClinVar variation 504301 (VCV000504301.2), dbSNP rs1553499468, ClinGen allele CA349965479.

ClinVar aggregate classification (germline): Uncertain significance (1 of 4 stars; one submission).

Allele frequency attached by ClinVar (database versions not stated): gnomAD exomes below 0.00001.
gnomAD v4.1: 1 of 1,593,782 alleles (0.000063%); highest among the groups gnomAD compares: Non-Finnish European, 0.000085%; no homozygotes.

Submission:

GeneDx
Classification: Uncertain significance. Last evaluated: 2018-08-28. Review status: criteria provided, single submitter. Criteria: GeneDx Variant Classification (06012015). Collection method: clinical testing. Allele origin: germline. Affected: yes.
Comment: A variant of uncertain significance has been identified in the HECW2 gene. The R592X variant has not been published as a pathogenic variant, nor has it been reported as a benign variant to our knowledge. The R592X variant is not observed in large population cohorts (Lek et al., 2016). The R592X nonsense variant is predicted to cause loss of normal protein function either through protein truncation or nonsense-mediated mRNA decay. Based on the currently available information, it is unclear whether this variant is a pathogenic variant or a rare benign variant.